The following is an entry in ClinVar:

ClinVar aggregate classification (germline): Uncertain significance (1 of 4 stars; one submission).

Submission:

Labcorp Genetics (formerly Invitae), Labcorp
Classification: Uncertain significance. Last evaluated: 2022-05-07. Review status: criteria provided, single submitter. Criteria: Invitae Variant Classification Sherloc (09022015). Collection method: clinical testing. Allele origin: germline.
Comment: This sequence change replaces isoleucine, which is neutral and non-polar, with serine, which is neutral and polar, at codon 360 of the LTBP4 protein (p.Ile360Ser). This variant is not present in population databases (gnomAD no frequency). This variant has not been reported in the literature in individuals affected with LTBP4-related conditions. Experimental studies and prediction algorithms are not available or were not evaluated, and the functional significance of this variant is currently unknown. In summary, the available evidence is currently insufficient to determine the role of this variant in disease. Therefore, it has been classified as a Variant of Uncertain Significance.

NM_001042545.2(LTBP4):c.989T>G (p.Ile330Ser)

Gene: LTBP4 (latent transforming growth factor beta binding protein 4; plus strand). Cytogenetic location: 19q13.2.
Variant type: single nucleotide variant.
Coding change: c.989T>G on transcript NM_001042545.2 (MANE Select); coding-DNA position 989, T replaced by G.
Protein change: p.Ile330Ser; replaces isoleucine 330 with serine.
Molecular consequence: missense variant.
Genome position (GRCh38, 1-based): chr19:40,606,524, T>G. VCF-style: chr19-40606524-T-G. GRCh37 (hg19) VCF-style: chr19-41112430-T-G.
Other names: c.1190T>G, p.Ile397Ser (NM_001042544.1); c.1079T>G, p.Ile360Ser (NM_003573.2); short protein forms I330S, I360S, I397S.
Identifiers: ClinVar variation 2135263 (VCV002135263.4), dbSNP rs1454002982, ClinGen allele CA405935005.
Genomic context (GRCh38, chr19:40,606,524, plus strand): 5'-GCGGGTACACGTGTGTGTGCCCCGACGGCTTTCTGCTCGACTCGTCCCGCAGCAGCTGCA[T>G]CTGTGAGCAACCAGCAGGGAGCTGAGGCTGGGTCCCGCCCTCCCTGCCCTCAGAAGTCCC-3'
Protein context (NP_001036010.1, residues 320-340): FLLDSSRSSC[Ile330Ser]SQHVISEAKG